The following is an entry in ClinVar:

ClinVar aggregate classification (germline): Pathogenic (1 of 4 stars; one submission).

Conditions:
Neuronal ceroid lipofuscinosis. Also called: Neuronal Ceroid Lipofuscinoses. Identifiers: Orphanet 216, Orphanet 79263, MedGen C0027877, MONDO:0016295. Disease mechanism: loss of function.

Submission:

Labcorp Genetics (formerly Invitae), Labcorp
Classification: Pathogenic for Neuronal ceroid lipofuscinosis. Last evaluated: 2025-02-03. Review status: criteria provided, single submitter. Criteria: Invitae Variant Classification Sherloc (09022015). Collection method: clinical testing. Allele origin: germline.
Comment: This sequence change creates a premature translational stop signal (p.Ser157Glyfs*87) in the CTSD gene. It is expected to result in an absent or disrupted protein product. Loss-of-function variants in CTSD are known to be pathogenic (PMID: 16670177, 26059544). This variant is not present in population databases (gnomAD no frequency). This variant has not been reported in the literature in individuals affected with CTSD-related conditions. For these reasons, this variant has been classified as Pathogenic.

Literature cited by the submitters: PubMed 16670177; PubMed 26059544.

NM_001909.5(CTSD):c.468_469del (p.Ser157fs)

Gene: CTSD (cathepsin D; minus strand). Cytogenetic location: 11p15.5.
Variant type: Microsatellite.
Coding change: c.468_469del on transcript NM_001909.5 (MANE Select); coding-DNA positions 468 to 469, 2 bases deleted (GT; older notation c.468_469delGT).
Protein change: p.Ser157fs; shifts the reading frame from serine 157.
Molecular consequence: frameshift variant.
Genome position (GRCh38, 1-based): chr11:1,758,971-1,758,972, AC deleted on the plus strand (GT on the coding strand, the reverse complement: CTSD is on the minus strand); deleting any 2 consecutive bases within chr11:1,758,971-1,758,975 gives the same sequence; the c. name uses the placement nearest the transcript's 3' end. VCF-style (leftmost placement, unchanged base first): chr11-1758970-GAC-G. GRCh37 (hg19) VCF-style: chr11-1780200-GAC-G.
Other names: short protein forms S157fs.
Identifiers: ClinVar variation 2160697 (VCV002160697.4), dbSNP rs2493825774, ClinGen allele CA645569361.